The following is an entry in ClinVar:

ClinVar aggregate classification (germline): Uncertain significance (1 of 4 stars; one submission).

Conditions:
Fanconi anemia (FA). Also called: Fanconi's anemia. Identifiers: Orphanet 84, MedGen C0015625, MeSH D005199, MONDO:0019391.

Allele frequency attached by ClinVar (database versions not stated): gnomAD exomes below 0.00001; ExAC 0.00001.
gnomAD v4.1: 1 of 1,614,028 alleles (0.000062%); highest among the groups gnomAD compares: South Asian, 0.0011%; no homozygotes.

Submission:

Labcorp Genetics (formerly Invitae), Labcorp
Classification: Uncertain significance for Fanconi anemia. Last evaluated: 2022-06-10. Review status: criteria provided, single submitter. Criteria: Invitae Variant Classification Sherloc (09022015). Collection method: clinical testing. Allele origin: germline.
Comment: This sequence change replaces glycine, which is neutral and non-polar, with serine, which is neutral and polar, at codon 972 of the FANCA protein (p.Gly972Ser). This variant is present in population databases (rs764155334, gnomAD 0.003%). This variant has not been reported in the literature in individuals affected with FANCA-related conditions. Advanced modeling of protein sequence and biophysical properties (such as structural, functional, and spatial information, amino acid conservation, physicochemical variation, residue mobility, and thermodynamic stability) performed at Invitae indicates that this missense variant is expected to disrupt FANCA protein function. In summary, the available evidence is currently insufficient to determine the role of this variant in disease. Therefore, it has been classified as a Variant of Uncertain Significance.

NM_000135.4(FANCA):c.2914G>A (p.Gly972Ser)

Gene: FANCA (FA complementation group A; minus strand). Cytogenetic location: 16q24.3.
Variant type: single nucleotide variant.
Coding change: c.2914G>A on transcript NM_000135.4 (MANE Select); coding-DNA position 2914, G replaced by A.
Protein change: p.Gly972Ser; replaces glycine 972 with serine.
Molecular consequence: missense variant.
Genome position (GRCh38, 1-based): chr16:89,758,644, C>T on the plus strand (G>A on the coding strand, the complement: FANCA is on the minus strand). VCF-style: chr16-89758644-C-T. GRCh37 (hg19) VCF-style: chr16-89825052-C-T.
Other names: c.2914G>A, p.Gly972Ser (NM_001286167.3); short protein forms G972S.
Identifiers: ClinVar variation 1447279 (VCV001447279.4), dbSNP rs764155334, ClinGen allele CA8251440.